The following is an entry in ClinVar:

ClinVar aggregate classification (germline): Uncertain significance (1 of 4 stars; one submission).

Submission:

ISCA site 15
Classification: Uncertain significance. Last evaluated: 2011-08-12. Review status: criteria provided, single submitter. Criteria: Kaminsky et al. (Genet Med. 2011). Collection method: clinical testing. Allele origin: paternal. Affected: yes. Observed: 1 variant allele.
Comment: Copy number variation identified through the course of routine clinical cytogenomic testing in postnatal populations. Clinical assertions have been curated as described in Kaminsky et al. 2011.

GRCh38/hg38 3p26.1(chr3:7285435-7579379)x3

Genes: GRM7 (glutamate metabotropic receptor 7; plus strand), GRM7-AS1 (GRM7 antisense RNA 1; minus strand), LOC132088980 (Neanderthal introgressed variant-containing enhancer experimental_71094; plus strand). Cytogenetic location: 3p26.1.
Variant type: copy number gain.
Change: copy number 3 (three copies instead of two) of chr3:7,285,435-7,579,379 (293.9 kb, GRCh38 coordinates, 1-based), cytogenetic band 3p26.1.
Identifiers: ClinVar variation 57694 (VCV000057694.1).